The following is an entry in ClinVar:

ClinVar aggregate classification (germline): Uncertain significance. Review status: criteria provided, multiple submitters, no conflicts (2 of 4 stars). 2 submissions from 2 submitters: Uncertain significance (2). Last evaluated 2021-08-28.

Conditions:
Combined oxidative phosphorylation defect type 17. Also called: Combined oxidative phosphorylation deficiency 17. Identifiers: Orphanet 369913, MedGen C3809526, MONDO:0014190, OMIM 615440.

Allele frequency attached by ClinVar (database versions not stated): gnomAD exomes below 0.00001; TOPMed below 0.00001.
gnomAD v4.1: 6 of 1,611,072 alleles (0.00037%); highest among the groups gnomAD compares: Non-Finnish European, 0.00051%; no homozygotes.

Submissions (2):

Labcorp Genetics (formerly Invitae), Labcorp
Classification: Uncertain significance for Combined oxidative phosphorylation defect type 17. Last evaluated: 2021-08-28. Review status: criteria provided, single submitter. Criteria: Invitae Variant Classification Sherloc (09022015). Collection method: clinical testing. Allele origin: germline.
Comment: This sequence change replaces arginine with tryptophan at codon 785 of the ELAC2 protein (p.Arg785Trp). The arginine residue is highly conserved and there is a moderate physicochemical difference between arginine and tryptophan. This variant is not present in population databases (ExAC no frequency). This variant has not been reported in the literature in individuals affected with ELAC2-related conditions. Algorithms developed to predict the effect of missense changes on protein structure and function (SIFT, PolyPhen-2, Align-GVGD) all suggest that this variant is likely to be disruptive. In summary, the available evidence is currently insufficient to determine the role of this variant in disease. Therefore, it has been classified as a Variant of Uncertain Significance.

Stanford Center for Inherited Cardiovascular Disease, Stanford University
Classification: Uncertain significance. Last evaluated: 2016-11-04. Review status: criteria provided, single submitter. Criteria: ACMG Guidelines, 2015. Collection method: provider interpretation. Allele origin: germline.

NM_018127.7(ELAC2):c.2353C>T (p.Arg785Trp)

Gene: ELAC2 (elaC ribonuclease Z 2; minus strand). Cytogenetic location: 17p12.
Variant type: single nucleotide variant.
Coding change: c.2353C>T on transcript NM_018127.7 (MANE Select); coding-DNA position 2353, C replaced by T.
Protein change: p.Arg785Trp; replaces arginine 785 with tryptophan.
Molecular consequence: missense variant.
Genome position (GRCh38, 1-based): chr17:12,992,946, G>A on the plus strand (C>T on the coding strand, the complement: ELAC2 is on the minus strand). VCF-style: chr17-12992946-G-A. GRCh37 (hg19) VCF-style: chr17-12896263-G-A.
Other names: c.2233C>T, p.Arg745Trp (NM_001165962.2); c.2350C>T, p.Arg784Trp (NM_173717.2); short protein forms R785W, R745W, R784W.
Identifiers: ClinVar variation 408863 (VCV000408863.5), dbSNP rs1060502162, ClinGen allele CA16615097.